The following is an entry in ClinVar:

ClinVar aggregate classification (germline): Likely benign (0 of 4 stars; one submission).

Conditions:
PIWIL1-related disorder. Also called: PIWIL1-related condition.

Submission:

PreventionGenetics, part of Exact Sciences
Classification: Likely benign for PIWIL1-related condition. Last evaluated: 2019-03-20. Review status: no assertion criteria provided. Collection method: clinical testing. Allele origin: germline.
Comment: This variant is classified as likely benign based on ACMG/AMP sequence variant interpretation guidelines (Richards et al. 2015 PMID: 25741868, with internal and published modifications).

NM_004764.5(PIWIL1):c.191-4dup

Gene: PIWIL1 (piwi like RNA-mediated gene silencing 1; plus strand). Cytogenetic location: 12q24.33.
Variant type: Duplication.
Coding change: c.191-4dup on transcript NM_004764.5 (MANE Select); 4 bases into the intron before coding-DNA position 191, one base duplicated (T; older notation c.191-4dupT).
Molecular consequence: intron variant.
Genome position (GRCh38, 1-based): chr12:130,345,749, T duplicated; the last of 9 consecutive T bases (chr12:130,345,741-130,345,749); duplicating any one gives the same sequence. VCF-style (leftmost placement, unchanged base first): chr12-130345740-A-AT. GRCh37 (hg19) VCF-style: chr12-130830285-A-AT.
Other names: c.191-4dup (NM_001190971.2).
Identifiers: ClinVar variation 3056802 (VCV003056802.2), dbSNP rs374456201, ClinGen allele CA6876923.
Genomic context (GRCh38, chr12:130,345,740, plus strand): 5'-GCACTATGGGAGTTAATATTGTCATCCTTTATTTCGTGCTTTATGTTGCTCAAGTACACA[A>AT]TTTTTTTTTAAGGACTCCAGATATCTGCTGGATTTCAGGAGTTATCGTTAGCAGAGAGAG-3'